The following is an entry in ClinVar:

NM_002150.3(HPD):c.802G>A (p.Ala268Thr)

Genes: HPD (4-hydroxyphenylpyruvate dioxygenase; minus strand), TIALD (transcript inducer of AURKA lysosomal degradation; plus strand). Cytogenetic location: 12q24.31.
Variant type: single nucleotide variant.
Coding change: c.802G>A on transcript NM_002150.3 (MANE Select); coding-DNA position 802, G replaced by A.
Protein change: p.Ala268Thr; replaces alanine 268 with threonine.
Molecular consequence: missense variant.
Genome position (GRCh38, 1-based): chr12:121,846,891, C>T on the plus strand (G>A on the coding strand, the complement: HPD is on the minus strand). VCF-style: chr12-121846891-C-T. GRCh37 (hg19) VCF-style: chr12-122284797-C-T.
Other names: c.685G>A, p.Ala229Thr (NM_001171993.2); short protein forms A268T, A229T.
Identifiers: ClinVar variation 2934228 (VCV002934228.3), dbSNP rs189210271, ClinGen allele CA244671215.

ClinVar aggregate classification (germline): Uncertain significance (1 of 4 stars; one submission).

Conditions:
Hawkinsinuria. Identifiers: Orphanet 2118, MedGen C2931042, MONDO:0007700, OMIM 140350, HP:0034457.
Tyrosinemia type III. Also called: Tyrosinemia type 3; 4-alpha hydroxyphenylpyruvic acid oxidase deficiency; 4-alpha hydroxyphenylpyruvate dioxygenase deficiency; 4-Hydroxyphenylpyruvate dioxygenase deficiency; 4-HYDROXYPHENYLPYRUVIC ACID OXIDASE DEFICIENCY. Identifiers: Orphanet 69723, MedGen C0268623, MONDO:0010162, OMIM 276710.

Allele frequency attached by ClinVar (database versions not stated): gnomAD exomes below 0.00001; TOPMed below 0.00001; gnomAD 0.00001; 1000 Genomes Project 30x 0.00016; 1000 Genomes Project 0.00020.
gnomAD v4.1: 2 of 1,614,098 alleles (0.00012%); highest among the groups gnomAD compares: East Asian, 0.0022%; no homozygotes.

Submission:

Labcorp Genetics (formerly Invitae), Labcorp
Classification: Uncertain significance for Tyrosinemia type III; Hawkinsinuria. Last evaluated: 2023-12-28. Review status: criteria provided, single submitter. Criteria: Invitae Variant Classification Sherloc (09022015). Collection method: clinical testing. Allele origin: germline.
Comment: This sequence change replaces alanine, which is neutral and non-polar, with threonine, which is neutral and polar, at codon 268 of the HPD protein (p.Ala268Thr). The frequency data for this variant in the population databases is considered unreliable, as metrics indicate poor data quality at this position in the gnomAD database. This variant has not been reported in the literature in individuals affected with HPD-related conditions. Advanced modeling of protein sequence and biophysical properties (such as structural, functional, and spatial information, amino acid conservation, physicochemical variation, residue mobility, and thermodynamic stability) performed at Invitae indicates that this missense variant is expected to disrupt HPD protein function with a positive predictive value of 80%. In summary, the available evidence is currently insufficient to determine the role of this variant in disease. Therefore, it has been classified as a Variant of Uncertain Significance.